The following is an entry in ClinVar:

ClinVar aggregate classification (germline): Benign/Likely benign. Review status: criteria provided, multiple submitters, no conflicts (2 of 4 stars). 2 submissions from 2 submitters: Benign (1); Likely benign (1). Last evaluated 2025-07-13.

Conditions:
Lynch syndrome 5 (LYNCH5). Also called: Colorectal cancer, hereditary nonpolyposis, type 5; Hereditary non-polyposis colorectal cancer, type 5. Identifiers: Orphanet 144, MedGen C1833477, MONDO:0013710, OMIM 614350. Disease mechanism: loss of function.
Hereditary nonpolyposis colorectal neoplasms. Identifiers: MedGen C0009405, MeSH D003123.

Submissions (2):

Labcorp Genetics (formerly Invitae), Labcorp
Classification: Likely benign for Hereditary nonpolyposis colorectal neoplasms. Last evaluated: 2025-07-13. Review status: criteria provided, single submitter. Criteria: Invitae Variant Classification Sherloc (09022015). Collection method: clinical testing. Allele origin: germline.

Myriad Genetics, Inc.
Classification: Benign for Lynch syndrome 5. Last evaluated: 2025-01-06. Review status: criteria provided, single submitter. Criteria: Myriad Autosomal Dominant, Autosomal Recessive and X-Linked Classification Criteria (2023). Collection method: clinical testing. Allele origin: unknown.
Comment: This variant is considered benign. This variant is a silent/synonymous amino acid change and it is not expected to impact splicing.

NM_000179.3(MSH6):c.3342A>G (p.Leu1114=)

Gene: MSH6 (mutS homolog 6; plus strand). Cytogenetic location: 2p16.3.
Variant type: single nucleotide variant.
Coding change: c.3342A>G on transcript NM_000179.3 (MANE Select); coding-DNA position 3342, A replaced by G.
Protein change: p.Leu1114=; no amino-acid change (leucine 1114 retained).
Molecular consequence: synonymous variant.
Genome position (GRCh38, 1-based): chr2:47,803,589, A>G. VCF-style: chr2-47803589-A-G. GRCh37 (hg19) VCF-style: chr2-48030728-A-G.
Other names: c.2952A>G, p.Leu984= (NM_001281492.2); c.2436A>G, p.Leu812= (NM_001281493.2, NM_001281494.2).
Identifiers: ClinVar variation 1127618 (VCV001127618.10), dbSNP rs1553331612, ClinGen allele CA426121977.